The following is an entry in ClinVar:

ClinVar aggregate classification (germline): Uncertain significance (1 of 4 stars; one submission).

Conditions:
Cardiovascular phenotype. Identifiers: MedGen CN230736.

gnomAD v4.1: 1 of 1,556,968 alleles (0.000064%); highest among the groups gnomAD compares: Non-Finnish European, 0.000087%; no homozygotes.

Submission:

Ambry Genetics
Classification: Uncertain significance for Cardiovascular phenotype. Last evaluated: 2021-11-24. Review status: criteria provided, single submitter. Criteria: Ambry Variant Classification Scheme 2023. Collection method: clinical testing. Allele origin: germline.
Comment: The p.G349W variant (also known as c.1045G>T), located in coding exon 1 of the FKRP gene, results from a G to T substitution at nucleotide position 1045. The glycine at codon 349 is replaced by tryptophan, an amino acid with highly dissimilar properties. This amino acid position is conserved. In addition, this alteration is predicted to be deleterious by in silico analysis. Since supporting evidence is limited at this time, the clinical significance of this alteration remains unclear.

NM_024301.5(FKRP):c.1045G>T (p.Gly349Trp)

Gene: FKRP (fukutin related protein; plus strand). Cytogenetic location: 19q13.32.
Variant type: single nucleotide variant.
Coding change: c.1045G>T on transcript NM_024301.5 (MANE Select); coding-DNA position 1045, G replaced by T.
Protein change: p.Gly349Trp; replaces glycine 349 with tryptophan.
Molecular consequence: missense variant.
Genome position (GRCh38, 1-based): chr19:46,756,495, G>T. VCF-style: chr19-46756495-G-T. GRCh37 (hg19) VCF-style: chr19-47259752-G-T.
Other names: c.1045G>T, p.Gly349Trp (NM_001039885.3); short protein forms G349W.
Identifiers: ClinVar variation 1775345 (VCV001775345.2), dbSNP rs2513995961, ClinGen allele CA406496533.